The following is an entry in ClinVar:

NM_018136.5(ASPM):c.3046C>T (p.Leu1016Phe)

Gene: ASPM (assembly factor for spindle microtubules; minus strand). Cytogenetic location: 1q31.3.
Variant type: single nucleotide variant.
Coding change: c.3046C>T on transcript NM_018136.5 (MANE Select); coding-DNA position 3046, C replaced by T.
Protein change: p.Leu1016Phe; replaces leucine 1016 with phenylalanine.
Molecular consequence: missense variant.
Genome position (GRCh38, 1-based): chr1:197,125,082, G>A on the plus strand (C>T on the coding strand, the complement: ASPM is on the minus strand). VCF-style: chr1-197125082-G-A. GRCh37 (hg19) VCF-style: chr1-197094212-G-A.
Other names: c.3046C>T, p.Leu1016Phe (NM_001206846.2); short protein forms L1016F.
Identifiers: ClinVar variation 1950891 (VCV001950891.5), dbSNP rs1463869273, ClinGen allele CA344045041.

ClinVar aggregate classification (germline): Uncertain significance (1 of 4 stars; one submission).

Allele frequency attached by ClinVar (database versions not stated): gnomAD exomes below 0.00001.
gnomAD v4.1: 1 of 1,613,984 alleles (0.000062%); highest among the groups gnomAD compares: Admixed American, 0.0017%; no homozygotes.

Submission:

Labcorp Genetics (formerly Invitae), Labcorp
Classification: Uncertain significance. Last evaluated: 2023-12-11. Review status: criteria provided, single submitter. Criteria: Invitae Variant Classification Sherloc (09022015). Collection method: clinical testing. Allele origin: germline.
Comment: This sequence change replaces leucine, which is neutral and non-polar, with phenylalanine, which is neutral and non-polar, at codon 1016 of the ASPM protein (p.Leu1016Phe). This variant is present in population databases (no rsID available, gnomAD 0.003%). This variant has not been reported in the literature in individuals affected with ASPM-related conditions. ClinVar contains an entry for this variant (Variation ID: 1950891). Advanced modeling of protein sequence and biophysical properties (such as structural, functional, and spatial information, amino acid conservation, physicochemical variation, residue mobility, and thermodynamic stability) performed at Invitae indicates that this missense variant is not expected to disrupt ASPM protein function with a negative predictive value of 80%. In summary, the available evidence is currently insufficient to determine the role of this variant in disease. Therefore, it has been classified as a Variant of Uncertain Significance.